The following is an entry in ClinVar:

NM_001105247.2(ARMC5):c.90A>G (p.Glu30=)

Gene: ARMC5 (armadillo repeat containing 5; plus strand). Cytogenetic location: 16p11.2.
Variant type: single nucleotide variant.
Coding change: c.90A>G on transcript NM_001105247.2 (MANE Select); coding-DNA position 90, A replaced by G.
Protein change: p.Glu30=; no amino-acid change (glutamic acid 30 retained).
Molecular consequence: synonymous variant.
Genome position (GRCh38, 1-based): chr16:31,459,614, A>G. VCF-style: chr16-31459614-A-G. GRCh37 (hg19) VCF-style: chr16-31470935-A-G.
Other names: c.375A>G, p.Glu125= (NM_001288767.2); c.186A>G, p.Glu62= (NM_001301820.1); c.90A>G, p.Glu30= (NM_024742.2).
Identifiers: ClinVar variation 5039834 (VCV005039834.1).

ClinVar aggregate classification (germline): Likely benign (1 of 4 stars; one submission).

Submission:

CeGaT Center for Human Genetics Tuebingen
Classification: Likely benign. Last evaluated: 2026-08-01. Review status: criteria provided, single submitter. Criteria: CeGaT Center For Human Genetics Tuebingen Variant Classification Criteria Version 2. Collection method: clinical testing. Allele origin: germline. Affected: yes. Observed: 1 variant allele.
Comment: ARMC5: PM2:Supporting, BP4, BP7